The following is an entry in ClinVar:

ClinVar aggregate classification (germline): Uncertain significance (1 of 4 stars; one submission).

Conditions:
Bethlem myopathy 1A. Also called: MYOPATHY, BENIGN CONGENITAL, WITH CONTRACTURES; Bethlem Muscular Dystrophy; Bethlem myopathy 1. Identifiers: Orphanet 610, MedGen CN029274, MONDO:0024530, OMIM 158810.

Allele frequency attached by ClinVar (database versions not stated): gnomAD exomes below 0.00001 and 0.00001; TOPMed 0.00001.

Submission:

Labcorp Genetics (formerly Invitae), Labcorp
Classification: Uncertain significance for Bethlem myopathy 1A. Last evaluated: 2021-05-31. Review status: criteria provided, single submitter. Criteria: Invitae Variant Classification Sherloc (09022015). Collection method: clinical testing. Allele origin: germline.
Comment: In summary, the available evidence is currently insufficient to determine the role of this variant in disease. Therefore, it has been classified as a Variant of Uncertain Significance. Algorithms developed to predict the effect of missense changes on protein structure and function are either unavailable or do not agree on the potential impact of this missense change (SIFT: "Tolerated"; PolyPhen-2: "Probably Damaging"; Align-GVGD: "Class C0"). This variant has not been reported in the literature in individuals with COL6A3-related conditions. This variant is not present in population databases (ExAC no frequency). This sequence change replaces tyrosine with histidine at codon 524 of the COL6A3 protein (p.Tyr524His). The tyrosine residue is weakly conserved and there is a moderate physicochemical difference between tyrosine and histidine.

NM_004369.4(COL6A3):c.1570T>C (p.Tyr524His)

Gene: COL6A3 (collagen type VI alpha 3 chain; minus strand). Cytogenetic location: 2q37.3.
Variant type: single nucleotide variant.
Coding change: c.1570T>C on transcript NM_004369.4 (MANE Select); coding-DNA position 1570, T replaced by C.
Protein change: p.Tyr524His; replaces tyrosine 524 with histidine.
Molecular consequence: missense variant.
Genome position (GRCh38, 1-based): chr2:237,381,242, A>G on the plus strand (T>C on the coding strand, the complement: COL6A3 is on the minus strand). VCF-style: chr2-237381242-A-G. GRCh37 (hg19) VCF-style: chr2-238289885-A-G.
Other names: c.349T>C, p.Tyr117His (NM_057164.5, NM_057166.5); c.952T>C, p.Tyr318His (NM_057165.5, NM_057167.4); short protein forms Y524H, Y117H, Y318H.
Identifiers: ClinVar variation 837768 (VCV000837768.12), dbSNP rs993649247, ClinGen allele CA67830631.